The following is an entry in ClinVar:

NM_001163809.2(WDR81):c.1564C>T (p.Gln522Ter)

Gene: WDR81 (WD repeat domain 81; plus strand). Cytogenetic location: 17p13.3.
Variant type: single nucleotide variant.
Coding change: c.1564C>T on transcript NM_001163809.2 (MANE Select); coding-DNA position 1564, C replaced by T.
Protein change: p.Gln522Ter; replaces glutamine 522 with a stop codon.
Molecular consequence: nonsense. On other transcripts: intron variant (3).
Genome position (GRCh38, 1-based): chr17:1,726,523, C>T. VCF-style: chr17-1726523-C-T. GRCh37 (hg19) VCF-style: chr17-1629817-C-T.
Other names: c.-123-1467C>T (NM_152348.4); c.59-3857C>T (NM_001163673.2); c.-15+1737C>T (NM_001163811.2); short protein forms Q522*.
Identifiers: ClinVar variation 392796 (VCV000392796.2), dbSNP rs1057524638, ClinGen allele CA16607602.

ClinVar aggregate classification (germline): Pathogenic (1 of 4 stars; one submission).

Submission:

GeneDx
Classification: Pathogenic. Last evaluated: 2017-01-05. Review status: criteria provided, single submitter. Criteria: GeneDx Variant Classification (06012015). Collection method: clinical testing. Allele origin: germline. Affected: yes.
Comment: The Q522X variant in the WDR81 gene has not been reported previously as a pathogenic variant nor as a benign variant, to our knowledge. This variant is predicted to cause loss of normal protein function either through protein truncation or nonsense-mediated mRNA decay. The Q522X variant was not observed in approximately 2300 individuals of European and African American ancestry in the NHLBI Exome Sequencing Project, indicating it is not a common benign variant in these populations. Therefore, we interpret Q522X as a pathogenic variant.